The following is an entry in ClinVar:

ClinVar aggregate classification (germline): Benign/Likely benign. Review status: criteria provided, multiple submitters, no conflicts (2 of 4 stars). 5 submissions from 5 submitters: Benign (3); Likely benign (1). 1 of the submissions does not count toward it. Last evaluated 2026-03-01.

Conditions:
KRT83-related disorder. Also called: KRT83-related condition.
Monilethrix. Also called: Beaded hair. Identifiers: Orphanet 573, MedGen C0546966, MONDO:0008009, HP:0032470.

Allele frequency attached by ClinVar (database versions not stated): 1000 Genomes Project 0.00140; 1000 Genomes Project 30x 0.00156; TOPMed 0.00228; gnomAD 0.00233 and 0.00240; ESP Exome Variant Server 0.00269.
gnomAD v4.1: 4,555 of 1,613,836 alleles (0.28%); highest among the groups gnomAD compares: Non-Finnish European, 0.33%; 11 homozygotes.

Submissions (5):

CeGaT Center for Human Genetics Tuebingen
Classification: Likely benign. Last evaluated: 2026-03-01. Review status: criteria provided, single submitter. Criteria: CeGaT Center For Human Genetics Tuebingen Variant Classification Criteria Version 2. Collection method: clinical testing. Allele origin: germline. Affected: yes. Observed: 3 variant alleles.
Comment: KRT83: BP4, BS2

Labcorp Genetics (formerly Invitae), Labcorp
Classification: Benign. Last evaluated: 2025-12-15. Review status: criteria provided, single submitter. Criteria: Invitae Variant Classification Sherloc (09022015). Collection method: clinical testing. Allele origin: germline.

Illumina Laboratory Services, Illumina
Classification: Benign for Monilethrix-1. Last evaluated: 2018-01-13. Review status: criteria provided, single submitter. Criteria: ICSL Variant Classification Criteria 13 December 2019. Collection method: clinical testing. Allele origin: germline.
Comment: This variant was observed in the ICSL laboratory as part of a predisposition screen in an ostensibly healthy population. It had not been previously curated by ICSL or reported in the Human Gene Mutation Database (HGMD: prior to June 1st, 2018), and was therefore a candidate for classification through an automated scoring system. Utilizing variant allele frequency, disease prevalence and penetrance estimates, and inheritance mode, an automated score was calculated to assess if this variant is too frequent to cause the disease. Based on the score and internal cut-off values, a variant classified as benign is not then subjected to further curation. The score for this variant resulted in a classification of benign for this disease.

Breakthrough Genomics
Classification: Benign. Review status: criteria provided, single submitter. Criteria: ACMG Guidelines, 2015. Collection method: not provided. Allele origin: germline. Inheritance: Autosomal recessive inheritance. Affected: yes.

PreventionGenetics, part of Exact Sciences
Classification: Likely benign for KRT83-related condition. Last evaluated: 2019-09-26. Review status: no assertion criteria provided. Collection method: clinical testing. Allele origin: germline. Not counted in ClinVar's aggregate classification.
Comment: This variant is classified as likely benign based on ACMG/AMP sequence variant interpretation guidelines (Richards et al. 2015 PMID: 25741868, with internal and published modifications).

NM_002282.3(KRT83):c.1268G>C (p.Cys423Ser)

Gene: KRT83 (keratin 83; minus strand). Cytogenetic location: 12q13.13.
Variant type: single nucleotide variant.
Coding change: c.1268G>C on transcript NM_002282.3 (MANE Select); coding-DNA position 1268, G replaced by C.
Protein change: p.Cys423Ser; replaces cysteine 423 with serine.
Molecular consequence: missense variant.
Genome position (GRCh38, 1-based): chr12:52,315,338, C>G on the plus strand (G>C on the coding strand, the complement: KRT83 is on the minus strand). VCF-style: chr12-52315338-C-G. GRCh37 (hg19) VCF-style: chr12-52709122-C-G.
Other names: short protein forms C423S.
Identifiers: ClinVar variation 309500 (VCV000309500.35), dbSNP rs148757217, ClinGen allele CA6577316.